The following is an entry in ClinVar:

ClinVar aggregate classification (germline): Uncertain significance. Review status: criteria provided, multiple submitters, no conflicts (2 of 4 stars). 2 submissions from 2 submitters: Uncertain significance (2). Last evaluated 2025-04-04.

Conditions:
Inborn genetic diseases. Identifiers: MedGen C0950123, MeSH D030342.

Submissions (2):

Ambry Genetics
Classification: Uncertain significance for Inborn genetic diseases. Last evaluated: 2025-04-04. Review status: criteria provided, single submitter. Criteria: Ambry Variant Classification Scheme 2023. Collection method: clinical testing. Allele origin: germline.
Comment: The c.238G>T (p.D80Y) alteration is located in exon 2 (coding exon 2) of the SRSF1 gene. This alteration results from a G to T substitution at nucleotide position 238, causing the aspartic acid (D) at amino acid position 80 to be replaced by a tyrosine (Y). This variant was not reported in population-based cohorts in the Genome Aggregation Database (gnomAD). This amino acid position is highly conserved in available vertebrate species. This missense alteration is located in a region that has a low rate of benign missense variation (Lek, 2016; Firth, 2009). The in silico prediction for this alteration is inconclusive. Based on insufficient or conflicting evidence, the clinical significance of this alteration remains unclear.

Greenwood Genetic Center Diagnostic Laboratories, Greenwood Genetic Center
Classification: Uncertain significance. Last evaluated: 2025-03-11. Review status: criteria provided, single submitter. Criteria: ACMG Guidelines, 2015. Collection method: clinical testing. Allele origin: germline.
Comment: PM1, PM2, BP4, PP2

NM_006924.5(SRSF1):c.238G>T (p.Asp80Tyr)

Gene: SRSF1 (serine and arginine rich splicing factor 1; minus strand). Cytogenetic location: 17q22.
Variant type: single nucleotide variant.
Coding change: c.238G>T on transcript NM_006924.5 (MANE Select); coding-DNA position 238, G replaced by T.
Protein change: p.Asp80Tyr; replaces aspartic acid 80 with tyrosine.
Molecular consequence: missense variant. On other transcripts: non-coding transcript variant (2).
Genome position (GRCh38, 1-based): chr17:58,006,484, C>A on the plus strand (G>T on the coding strand, the complement: SRSF1 is on the minus strand). VCF-style: chr17-58006484-C-A. GRCh37 (hg19) VCF-style: chr17-56083845-C-A.
Other names: c.238G>T, p.Asp80Tyr (NM_001078166.2); short protein forms D80Y.
Identifiers: ClinVar variation 3962348 (VCV003962348.2).